The following is an entry in ClinVar:

ClinVar aggregate classification (germline): Uncertain significance (1 of 4 stars; one submission).

Conditions:
Hereditary cancer-predisposing syndrome. Also called: Hereditary neoplastic syndrome; Neoplastic Syndromes, Hereditary; Tumor predisposition; Hereditary Cancer Syndrome. Identifiers: Orphanet 140162, MedGen C0027672, MeSH D009386, MONDO:0015356.

Submission:

Ambry Genetics
Classification: Uncertain significance for Hereditary cancer-predisposing syndrome. Last evaluated: 2024-12-24. Review status: criteria provided, single submitter. Criteria: Ambry Variant Classification Scheme 2023. Collection method: clinical testing. Allele origin: germline.
Comment: The p.G192D variant (also known as c.575G>A), located in coding exon 2 of the CDKN1B gene, results from a G to A substitution at nucleotide position 575. The glycine at codon 192 is replaced by aspartic acid, an amino acid with similar properties. This amino acid position is conserved. In addition, this alteration is predicted to be tolerated by in silico analysis. Based on the available evidence, the clinical significance of this variant remains unclear.

NM_004064.5(CDKN1B):c.575G>A (p.Gly192Asp)

Gene: CDKN1B (cyclin dependent kinase inhibitor 1B; plus strand). Cytogenetic location: 12p13.1.
Variant type: single nucleotide variant.
Coding change: c.575G>A on transcript NM_004064.5 (MANE Select); coding-DNA position 575, G replaced by A.
Protein change: p.Gly192Asp; replaces glycine 192 with aspartic acid.
Molecular consequence: missense variant.
Genome position (GRCh38, 1-based): chr12:12,718,924, G>A. VCF-style: chr12-12718924-G-A. GRCh37 (hg19) VCF-style: chr12-12871858-G-A.
Other names: short protein forms G192D.
Identifiers: ClinVar variation 3830965 (VCV003830965.1).